The following is an entry in ClinVar:

ClinVar aggregate classification (germline): Pathogenic (1 of 4 stars; one submission).

Conditions:
Familial thoracic aortic aneurysm and aortic dissection (TAAD). Also called: Thoracic aortic aneurysms and dissections. Identifiers: Orphanet 91387, MedGen C4707243, MONDO:0019625.
Marfan syndrome (MFS). Also called: FBN1-Related Marfan Syndrome; Marfan syndrome type 1; Marfan's syndrome; Marfan syndrome, classic; MARFAN SYNDROME, TYPE I. Identifiers: Orphanet 284963, Orphanet 558, MedGen C0024796, MONDO:0007947, OMIM 154700.

Submission:

Labcorp Genetics (formerly Invitae), Labcorp
Classification: Pathogenic for Marfan syndrome; Familial thoracic aortic aneurysm and aortic dissection. Last evaluated: 2018-08-20. Review status: criteria provided, single submitter. Criteria: Invitae Variant Classification Sherloc (09022015). Collection method: clinical testing. Allele origin: germline.
Comment: This variant results in the deletion of EGF-like, TGFBP and hybrid motif domains of FBN1. Cysteine residues are believed to be involved in intramolecular disulfide bridges and have been shown to be important for FBN1 protein structure (PMID: 16905551, 19349279). In addition, missense substitutions affecting cysteine residues within these domains are significantly overrepresented among patients with Marfan syndrome (PMID: 16571647, 17701892). For these reasons, this variant has been classified as Pathogenic. This variant has not been reported in the literature in individuals with FBN1-related disease. This variant is an in-frame deletion of the genomic region encompassing exons 18-43 of the FBN1 gene. It preserves the integrity of the reading frame.

Literature cited by the submitters: PubMed 16905551; PubMed 19349279; PubMed 16571647; PubMed 17701892.

NC_000015.10:g.(?_48460226)_(48499058_?)del

Genes: FBN1 (fibrillin 1; minus strand), LOC126862124 (CDK7 strongly-dependent group 2 enhancer GRCh37_chr15:48764566-48765765; plus strand). Cytogenetic location: 15q21.1.
Variant type: Deletion.
Identifiers: ClinVar variation 641001 (VCV000641001.8).